The following is an entry in ClinVar:

NM_000089.4(COL1A2):c.1947C>A (p.Gly649=)

Gene: COL1A2 (collagen type I alpha 2 chain; plus strand). Cytogenetic location: 7q21.3.
Variant type: single nucleotide variant.
Coding change: c.1947C>A on transcript NM_000089.4 (MANE Select); coding-DNA position 1947, C replaced by A.
Protein change: p.Gly649=; no amino-acid change (glycine 649 retained).
Molecular consequence: synonymous variant.
Genome position (GRCh38, 1-based): chr7:94,417,807, C>A. VCF-style: chr7-94417807-C-A. GRCh37 (hg19) VCF-style: chr7-94047119-C-A.
Other names: p.Gly649=.
Identifiers: ClinVar variation 1783147 (VCV001783147.4), dbSNP rs755307855, ClinGen allele CA4347232.
Genomic context (GRCh38, chr7:94,417,807, plus strand): 5'-TGTGGGCACTGCTGGTCCATCTGGTCCTAGTGGACTCCCAGGAGAGAGGGGTGCTGCTGG[C>A]ATACCTGGAGGCAAGGGAGAAAAGGTACGTGTTGACCCCTATTACATATTGTTGATGAAC-3'
Protein context (NP_000080.2, residues 639-659): SGLPGERGAA[Gly649=]IPGGKGEKGE

ClinVar aggregate classification (germline): Likely benign. Review status: criteria provided, multiple submitters, no conflicts (2 of 4 stars). 3 submissions from 3 submitters: Likely benign (3). Last evaluated 2025-10-21.

Conditions:
Cardiovascular phenotype. Identifiers: MedGen CN230736.
Ehlers-Danlos syndrome, classic type, 1 (EDSCL1). Also called: Ehlers-Danlos syndrome, type 1; Ehlers-Danlos Syndrome, Classic Type, COL5A1-Related; EDS I; EHLERS-DANLOS SYNDROME, GRAVIS TYPE; EHLERS-DANLOS SYNDROME, SEVERE CLASSIC TYPE. Identifiers: MedGen C0268335, MONDO:0019567, OMIM 130000.
Osteogenesis imperfecta type I (OI1). Also called: Osteogenesis imperfecta type 1; Lobstein's Disease; Lobstein disease; OI, TYPE I; OSTEOGENESIS IMPERFECTA TARDA; OSTEOGENESIS IMPERFECTA WITH BLUE SCLERAE. Identifiers: Orphanet 216796, Orphanet 666, MedGen C0023931, MONDO:0008146, OMIM 166200. Disease mechanism: loss of function.

Allele frequency attached by ClinVar (database versions not stated): gnomAD exomes below 0.00001; gnomAD 0.00001.
gnomAD v4.1: 2 of 1,602,358 alleles (0.00012%); highest among the groups gnomAD compares: Non-Finnish European, 0.00017%; no homozygotes.

Submissions (3):

Labcorp Genetics (formerly Invitae), Labcorp
Classification: Likely benign for Osteogenesis imperfecta type I; Ehlers-Danlos syndrome, classic type, 1. Last evaluated: 2025-10-21. Review status: criteria provided, single submitter. Criteria: Invitae Variant Classification Sherloc (09022015). Collection method: clinical testing. Allele origin: germline.

Mayo Clinic Laboratories, Mayo Clinic
Classification: Likely benign. Last evaluated: 2025-03-24. Review status: criteria provided, single submitter. Criteria: ACMG Guidelines, 2015. Collection method: clinical testing. Allele origin: germline. Observed: 1 variant allele.
Comment: BP4, BP7

Ambry Genetics
Classification: Likely benign for Cardiovascular phenotype. Last evaluated: 2021-03-01. Review status: criteria provided, single submitter. Criteria: Ambry Variant Classification Scheme 2023. Collection method: clinical testing. Allele origin: germline.